The following is an entry in ClinVar:

NM_199420.4(POLQ):c.7667A>G (p.Gln2556Arg)

Gene: POLQ (DNA polymerase theta; minus strand). Cytogenetic location: 3q13.33.
Variant type: single nucleotide variant.
Coding change: c.7667A>G on transcript NM_199420.4 (MANE Select); coding-DNA position 7667, A replaced by G.
Protein change: p.Gln2556Arg; replaces glutamine 2556 with arginine.
Molecular consequence: missense variant.
Genome position (GRCh38, 1-based): chr3:121,432,410, T>C on the plus strand (A>G on the coding strand, the complement: POLQ is on the minus strand). VCF-style: chr3-121432410-T-C. GRCh37 (hg19) VCF-style: chr3-121151257-T-C.
Other names: short protein forms Q2556R.
Identifiers: ClinVar variation 3422521 (VCV003422521.1).

ClinVar aggregate classification (germline): Uncertain significance (1 of 4 stars; one submission).

Submission:

Ambry Genetics
Classification: Uncertain significance. Last evaluated: 2024-08-31. Review status: criteria provided, single submitter. Criteria: Ambry Variant Classification Scheme 2023. Collection method: clinical testing. Allele origin: germline.
Comment: The p.Q2556R variant (also known as c.7667A>G), located in coding exon 30 of the POLQ gene, results from an A to G substitution at nucleotide position 7667. The glutamine at codon 2556 is replaced by arginine, an amino acid with highly similar properties. This amino acid position is conserved. In addition, the in silico prediction for this alteration is inconclusive. Based on the available evidence, the clinical significance of this variant remains unclear.